The following is an entry in ClinVar:

ClinVar aggregate classification (germline): Uncertain significance (1 of 4 stars; one submission).

Conditions:
Arrhythmogenic right ventricular dysplasia 5. Also called: Arrhythmogenic Right Ventricular Dysplasia/Cardiomyopathy 5; ARRHYTHMOGENIC RIGHT VENTRICULAR DYSPLASIA, FAMILIAL, 5. Identifiers: MedGen C1858379, MONDO:0011459, OMIM 604400.

Submission:

Labcorp Genetics (formerly Invitae), Labcorp
Classification: Uncertain significance for Arrhythmogenic right ventricular dysplasia 5. Last evaluated: 2023-10-22. Review status: criteria provided, single submitter. Criteria: Invitae Variant Classification Sherloc (09022015). Collection method: clinical testing. Allele origin: germline.
Comment: This sequence change results in a frameshift in the TMEM43 gene (p.Asp335Glyfs*89). While this is not anticipated to result in nonsense mediated decay, it is expected to disrupt the last 66 amino acid(s) of the TMEM43 protein and extend the protein by 22 additional amino acid residues. This variant is not present in population databases (gnomAD no frequency). This variant has not been reported in the literature in individuals affected with TMEM43-related conditions. Algorithms developed to predict the effect of sequence changes on RNA splicing suggest that this variant may disrupt the consensus splice site. In summary, the available evidence is currently insufficient to determine the role of this variant in disease. Therefore, it has been classified as a Variant of Uncertain Significance.

NM_024334.3(TMEM43):c.1001dup (p.Asp335fs)

Gene: TMEM43 (transmembrane protein 43; plus strand). Cytogenetic location: 3p25.1.
Variant type: Duplication.
Coding change: c.1001dup on transcript NM_024334.3 (MANE Select); coding-DNA position 1001, one base duplicated (T; older notation c.1001dupT).
Protein change: p.Asp335fs; shifts the reading frame from aspartic acid 335.
Molecular consequence: frameshift variant.
Genome position (GRCh38, 1-based): chr3:14,141,593, T duplicated. VCF-style (leftmost placement, unchanged base first): chr3-14141592-G-GT. GRCh37 (hg19) VCF-style: chr3-14183092-G-GT.
Other names: c.1004dup, p.Asp336fs (NM_001407274.1); c.998dup, p.Asp334fs (NM_001407275.1, NM_001407276.1); c.995dup, p.Asp333fs (NM_001407277.1); c.986dup, p.Asp330fs (NM_001407278.1); c.926dup, p.Asp310fs (NM_001407279.1); c.851dup, p.Asp285fs (NM_001407280.1); short protein forms D285fs, D310fs, D333fs, D335fs, D330fs, D334fs, D336fs.
Identifiers: ClinVar variation 2770972 (VCV002770972.3), dbSNP rs2470200977, ClinGen allele CA2697550692.
Genomic context (GRCh38, chr3:14,141,592, plus strand): 5'-ATCTGCTGAGCTGGTGAGGTGTAGAGCAGGTGGCACCTCATCACCTTTCTCCTTTCCACA[G>GT]TGGACTGGTTTCCTGTTTTCCGAGACCTGGTCAACATTGGCCTGAAAGCCTTTGCCTTCT-3'